The following is an entry in ClinVar:

NM_001167.4(XIAP):c.769C>G (p.Pro257Ala)

Gene: XIAP (X-linked inhibitor of apoptosis; plus strand). Cytogenetic location: Xq25.
Variant type: single nucleotide variant.
Coding change: c.769C>G on transcript NM_001167.4 (MANE Select); coding-DNA position 769, C replaced by G.
Protein change: p.Pro257Ala; replaces proline 257 with alanine.
Molecular consequence: missense variant.
Genome position (GRCh38, 1-based): chrX:123,886,431, C>G. VCF-style: chrX-123886431-C-G. GRCh37 (hg19) VCF-style: chrX-123020281-C-G.
Other names: p.Pro257Ala; c.769C>G, p.Pro257Ala (NM_001204401.2, NM_001378590.1, NM_001378591.1 and 1 more transcripts); short protein forms P257A.
Identifiers: ClinVar variation 465073 (VCV000465073.31), dbSNP rs138783302, ClinGen allele CA10508047.

ClinVar aggregate classification (germline): Conflicting classifications of pathogenicity. Review status: criteria provided, conflicting classifications (1 of 4 stars). 9 submissions from 9 submitters: Uncertain significance (1); Benign (4); Likely benign (1). 3 of the submissions do not count toward it. Last evaluated 2026-02-01.

Conditions:
Autoinflammatory syndrome. Identifiers: Orphanet 93665, MedGen C3890737, MONDO:0019751.
XIAP-related disorder. Also called: XIAP-related condition.
X-linked lymphoproliferative disease due to XIAP deficiency. Also called: XIAP-Related Lymphoproliferative Disease, X-Linked; XIAP DEFICIENCY. Identifiers: Orphanet 2442, Orphanet 538934, MedGen C1845076, MONDO:0010385, OMIM 300635.

Allele frequency attached by ClinVar (database versions not stated): 1000 Genomes Project 30x 0.00042; 1000 Genomes Project 0.00053; gnomAD exomes 0.00067 and 0.00155; gnomAD 0.00068 and 0.00073; ExAC 0.00077; TOPMed 0.00088; ESP Exome Variant Server 0.00142.
gnomAD v4.1: 1,751 of 1,209,593 alleles (0.14%); highest among the groups gnomAD compares: Non-Finnish European, 0.19%; no homozygotes.

Submissions (9):

Labcorp Genetics (formerly Invitae), Labcorp
Classification: Benign for X-linked lymphoproliferative disease due to XIAP deficiency. Last evaluated: 2026-02-01. Review status: criteria provided, single submitter. Criteria: Invitae Variant Classification Sherloc (09022015). Collection method: clinical testing. Allele origin: germline.

Blueprint Genetics
Classification: Likely benign. Last evaluated: 2024-07-19. Review status: criteria provided, single submitter. Criteria: ACMG Guidelines, 2015. Collection method: clinical testing. Allele origin: germline.

Mayo Clinic Laboratories, Mayo Clinic
Classification: Benign. Last evaluated: 2023-09-05. Review status: criteria provided, single submitter. Criteria: ACMG Guidelines, 2015. Collection method: clinical testing. Allele origin: germline. Observed: 2 variant alleles.
Comment: BS1, BS2, BP4

Genome Diagnostics Laboratory, The Hospital for Sick Children
Classification: Uncertain significance for Autoinflammatory syndrome. Last evaluated: 2022-03-30. Review status: criteria provided, single submitter. Criteria: ACMG Guidelines, 2015. Collection method: clinical testing. Allele origin: germline. Affected: yes.

ARUP Laboratories, Molecular Genetics and Genomics, ARUP Laboratories
Classification: Benign for X-linked lymphoproliferative disease due to XIAP deficiency. Last evaluated: 2018-11-28. Review status: criteria provided, single submitter. Criteria: ARUP Molecular Germline Variant Investigation Process. Collection method: clinical testing. Allele origin: germline.

Illumina Laboratory Services, Illumina
Classification: Benign for X-linked lymphoproliferative disease due to XIAP deficiency. Last evaluated: 2018-01-13. Review status: criteria provided, single submitter. Criteria: ICSL Variant Classification Criteria 13 December 2019. Collection method: clinical testing. Allele origin: germline.
Comment: This variant was observed in the ICSL laboratory as part of a predisposition screen in an ostensibly healthy population. It had not been previously curated by ICSL or reported in the Human Gene Mutation Database (HGMD: prior to June 1st, 2018), and was therefore a candidate for classification through an automated scoring system. Utilizing variant allele frequency, disease prevalence and penetrance estimates, and inheritance mode, an automated score was calculated to assess if this variant is too frequent to cause the disease. Based on the score and internal cut-off values, a variant classified as benign is not then subjected to further curation. The score for this variant resulted in a classification of benign for this disease.

PreventionGenetics, part of Exact Sciences
Classification: Likely benign for XIAP-related condition. Last evaluated: 2022-08-13. Review status: no assertion criteria provided. Collection method: clinical testing. Allele origin: germline. Not counted in ClinVar's aggregate classification.
Comment: This variant is classified as likely benign based on ACMG/AMP sequence variant interpretation guidelines (Richards et al. 2015 PMID: 25741868, with internal and published modifications).

Clinical Genetics DNA and cytogenetics Diagnostics Lab, Erasmus MC, Erasmus Medical Center
Classification: Likely benign. Review status: no assertion criteria provided. Collection method: clinical testing. Allele origin: germline. Affected: yes. Study: VKGL Data-share Consensus. Not counted in ClinVar's aggregate classification.

Genome Diagnostics Laboratory, University Medical Center Utrecht
Classification: Likely benign. Review status: no assertion criteria provided. Collection method: clinical testing. Allele origin: germline. Affected: yes. Study: VKGL Data-share Consensus. Not counted in ClinVar's aggregate classification.

Literature cited by the submitters: PubMed 29501442 (cited by Mayo Clinic Laboratories, Mayo Clinic).